The following is an entry in ClinVar:

ClinVar aggregate classification (germline): Uncertain significance. Review status: criteria provided, multiple submitters, no conflicts (2 of 4 stars). 2 submissions from 2 submitters: Uncertain significance (2). Last evaluated 2025-06-29.

Conditions:
Inborn genetic diseases. Identifiers: MedGen C0950123, MeSH D030342.

Allele frequency attached by ClinVar (database versions not stated): ExAC 0.00001; gnomAD 0.00002; TOPMed 0.00002.
gnomAD v4.1: 20 of 1,207,737 alleles (0.0017%); highest among the groups gnomAD compares: African/African-American, 0.0035%; no homozygotes.

Submissions (2):

Ambry Genetics
Classification: Uncertain significance for Inborn genetic diseases. Last evaluated: 2025-06-29. Review status: criteria provided, single submitter. Criteria: Ambry Variant Classification Scheme 2023. Collection method: clinical testing. Allele origin: germline.

GeneDx
Classification: Uncertain significance. Last evaluated: 2021-12-23. Review status: criteria provided, single submitter. Criteria: GeneDx Variant Classification Process June 2021. Collection method: clinical testing. Allele origin: germline. Affected: yes.
Comment: In silico analysis supports that this missense variant does not alter protein structure/function; Has not been previously published as pathogenic or benign to our knowledge

NM_005647.4(TBL1X):c.1486G>A (p.Val496Ile)

Gene: TBL1X (transducin beta like 1 X-linked; plus strand). Cytogenetic location: Xp22.2.
Variant type: single nucleotide variant.
Coding change: c.1486G>A on transcript NM_005647.4 (MANE Select); coding-DNA position 1486, G replaced by A.
Protein change: p.Val496Ile; replaces valine 496 with isoleucine.
Molecular consequence: missense variant.
Genome position (GRCh38, 1-based): chrX:9,711,657, G>A. VCF-style: chrX-9711657-G-A. GRCh37 (hg19) VCF-style: chrX-9679697-G-A.
Other names: c.1486G>A, p.Val496Ile (NM_001139466.1); c.1333G>A, p.Val445Ile (NM_001139467.1, NM_001139468.1); short protein forms V445I, V496I.
Identifiers: ClinVar variation 1693066 (VCV001693066.3), dbSNP rs773386101, ClinGen allele CA10344780.